The following is an entry in ClinVar:

ClinVar aggregate classification (germline): Benign. Review status: criteria provided, multiple submitters, no conflicts (2 of 4 stars). 2 submissions from 2 submitters: Benign (2). Last evaluated 2018-01-13.

Conditions:
Autosomal recessive limb-girdle muscular dystrophy type 2K. Also called: MUSCULAR DYSTROPHY-DYSTROGLYCANOPATHY (LIMB-GIRDLE), TYPE C, 1; MUSCULAR DYSTROPHY, LIMB-GIRDLE, TYPE 2K. Identifiers: Orphanet 86812, MedGen C1836373, MONDO:0012248, OMIM 609308.

Allele frequency attached by ClinVar (database versions not stated): TOPMed 0.86188; 1000 Genomes Project 30x 0.86290; 1000 Genomes Project 0.86641; gnomAD 0.87122 and 0.87618; gnomAD exomes 0.93124.
gnomAD v4.1: 312,181 of 344,284 alleles (91%); highest among the groups gnomAD compares: South Asian, 97%; 142,524 homozygotes.

Submissions (2):

Illumina Laboratory Services, Illumina
Classification: Benign for Autosomal recessive limb-girdle muscular dystrophy type 2K. Last evaluated: 2018-01-13. Review status: criteria provided, single submitter. Criteria: ICSL Variant Classification Criteria 13 December 2019. Collection method: clinical testing. Allele origin: germline.
Comment: This variant was observed in the ICSL laboratory as part of a predisposition screen in an ostensibly healthy population. It had not been previously curated by ICSL or reported in the Human Gene Mutation Database (HGMD: prior to June 1st, 2018), and was therefore a candidate for classification through an automated scoring system. Utilizing variant allele frequency, disease prevalence and penetrance estimates, and inheritance mode, an automated score was calculated to assess if this variant is too frequent to cause the disease. Based on the score and internal cut-off values, a variant classified as benign is not then subjected to further curation. The score for this variant resulted in a classification of benign for this disease.

Breakthrough Genomics
Classification: Benign. Review status: criteria provided, single submitter. Criteria: ACMG Guidelines, 2015. Collection method: not provided. Allele origin: germline. Inheritance: Autosomal recessive inheritance. Affected: yes.

NM_001077365.2(POMT1):c.*348C>T

Gene: POMT1 (protein O-mannosyltransferase 1; plus strand). Cytogenetic location: 9q34.13.
Variant type: single nucleotide variant.
Coding change: c.*348C>T on transcript NM_001077365.2 (MANE Select); 348 bases downstream of the stop codon, C replaced by T.
Molecular consequence: 3 prime UTR variant. On other transcripts: non-coding transcript variant (10).
Genome position (GRCh38, 1-based): chr9:131,523,454, C>T. VCF-style: chr9-131523454-C-T. GRCh37 (hg19) VCF-style: chr9-134398841-C-T.
Other names: c.*348C>T (NM_001077366.2, NM_001136113.2, NM_001136114.2 and 15 more transcripts).
Identifiers: ClinVar variation 365293 (VCV000365293.6), dbSNP rs7857419, ClinGen allele CA10629174.
Genomic context (GRCh38, chr9:131,523,454, plus strand): 5'-AAGCCGAGAACCCAGGGCCAGCAGTGGAGCCTCAGCAGACCAGGGCCTGGTCCTTGCTAA[C>T]TGCTGCAGGGTGGAGTTTGATCTGGCAGACCCGATCCTCCTTCATGAACACCCAGCAACC-3'